The following is an entry in ClinVar:

ClinVar aggregate classification (germline): Uncertain significance. Review status: criteria provided, multiple submitters, no conflicts (2 of 4 stars). 2 submissions from 2 submitters: Uncertain significance (2). Last evaluated 2025-06-14.

Conditions:
Inborn genetic diseases. Identifiers: MedGen C0950123, MeSH D030342.

Allele frequency attached by ClinVar (database versions not stated): gnomAD exomes below 0.00001; gnomAD 0.00001; TOPMed 0.00001; ESP Exome Variant Server 0.00008.
gnomAD v4.1: 3 of 1,613,534 alleles (0.00019%); highest among the groups gnomAD compares: African/African-American, 0.0013%; no homozygotes.

Submissions (2):

Ambry Genetics
Classification: Uncertain significance for Inborn genetic diseases. Last evaluated: 2025-06-14. Review status: criteria provided, single submitter. Criteria: Ambry Variant Classification Scheme 2023. Collection method: clinical testing. Allele origin: germline.
Comment: The p.A1529S variant (also known as c.4585G>T), located in coding exon 1 of the SAMD9L gene, results from a G to T substitution at nucleotide position 4585. The alanine at codon 1529 is replaced by serine, an amino acid with similar properties. This amino acid position is conserved. In addition, this alteration is predicted to be tolerated by in silico analysis. Based on the available evidence, the clinical significance of this variant remains unclear.

Labcorp Genetics (formerly Invitae), Labcorp
Classification: Uncertain significance. Last evaluated: 2022-01-14. Review status: criteria provided, single submitter. Criteria: Invitae Variant Classification Sherloc (09022015). Collection method: clinical testing. Allele origin: germline.
Comment: In summary, the available evidence is currently insufficient to determine the role of this variant in disease. Therefore, it has been classified as a Variant of Uncertain Significance. Algorithms developed to predict the effect of missense changes on protein structure and function are either unavailable or do not agree on the potential impact of this missense change (SIFT: "Not Available"; PolyPhen-2: "Possibly Damaging"; Align-GVGD: "Not Available"). This variant has not been reported in the literature in individuals affected with SAMD9L-related conditions. This variant is not present in population databases (gnomAD no frequency). This sequence change replaces alanine, which is neutral and non-polar, with serine, which is neutral and polar, at codon 1529 of the SAMD9L protein (p.Ala1529Ser).

NM_152703.5(SAMD9L):c.4585G>T (p.Ala1529Ser)

Gene: SAMD9L (sterile alpha motif domain containing 9 like; minus strand). Cytogenetic location: 7q21.2.
Variant type: single nucleotide variant.
Coding change: c.4585G>T on transcript NM_152703.5 (MANE Select); coding-DNA position 4585, G replaced by T.
Protein change: p.Ala1529Ser; replaces alanine 1529 with serine.
Molecular consequence: missense variant.
Genome position (GRCh38, 1-based): chr7:93,131,387, C>A on the plus strand (G>T on the coding strand, the complement: SAMD9L is on the minus strand). VCF-style: chr7-93131387-C-A. GRCh37 (hg19) VCF-style: chr7-92760700-C-A.
Other names: c.4585G>T, p.Ala1529Ser (NM_001303496.3, NM_001303497.3, NM_001303498.3 and 5 more transcripts); c.4585G>T (NM_152703.2); short protein forms A1529S.
Identifiers: ClinVar variation 1373941 (VCV001373941.9), dbSNP rs147406199, ClinGen allele CA161958020.